The following is an entry in ClinVar:

NM_001130438.3(SPTAN1):c.6762+10C>T

Gene: SPTAN1 (spectrin alpha, non-erythrocytic 1; plus strand). Cytogenetic location: 9q34.11.
Variant type: single nucleotide variant.
Coding change: c.6762+10C>T on transcript NM_001130438.3 (MANE Select); 10 bases into the intron after coding-DNA position 6762, C replaced by T.
Molecular consequence: intron variant.
Genome position (GRCh38, 1-based): chr9:128,630,385, C>T. VCF-style: chr9-128630385-C-T. GRCh37 (hg19) VCF-style: chr9-131392664-C-T.
Other names: c.6825+10C>T (NM_001363759.2); c.6747+10C>T (NM_003127.4); c.6702+10C>T (NM_001363765.2); c.6687+10C>T (NM_001195532.2).
Identifiers: ClinVar variation 378665 (VCV000378665.12), dbSNP rs367706466, ClinGen allele CA5265892.

ClinVar aggregate classification (germline): Likely benign. Review status: criteria provided, multiple submitters, no conflicts (2 of 4 stars). 2 submissions from 2 submitters: Likely benign (2). Last evaluated 2025-12-21.

Conditions:
Early-infantile DEE. Also called: Ohtahara syndrome; Early infantile epileptic encephalopathy with suppression bursts; Early infantile epileptic encephalopathy. Identifiers: Orphanet 1934, MedGen C0393706, MONDO:0800491.

Allele frequency attached by ClinVar (database versions not stated): gnomAD 0.00003; TOPMed 0.00005.
gnomAD v4.1: 66 of 1,611,932 alleles (0.0041%); highest among the groups gnomAD compares: East Asian, 0.018%; no homozygotes.

Submissions (2):

Labcorp Genetics (formerly Invitae), Labcorp
Classification: Likely benign for Early-infantile DEE. Last evaluated: 2025-12-21. Review status: criteria provided, single submitter. Criteria: Invitae Variant Classification Sherloc (09022015). Collection method: clinical testing. Allele origin: germline.

GeneDx
Classification: Likely benign. Last evaluated: 2016-11-10. Review status: criteria provided, single submitter. Criteria: GeneDx Variant Classification (06012015). Collection method: clinical testing. Allele origin: germline. Affected: yes.
Comment: This variant is considered likely benign or benign based on one or more of the following criteria: it is a conservative change, it occurs at a poorly conserved position in the protein, it is predicted to be benign by multiple in silico algorithms, and/or has population frequency not consistent with disease.